The following is an entry in ClinVar:

ClinVar aggregate classification (germline): Uncertain significance (1 of 4 stars; one submission).

Allele frequency attached by ClinVar (database versions not stated): gnomAD exomes below 0.00001.
gnomAD v4.1: 1 of 654,750 alleles (0.00015%); highest among the groups gnomAD compares: African/African-American, 0.0018%; no homozygotes.

Submission:

Labcorp Genetics (formerly Invitae), Labcorp
Classification: Uncertain significance. Last evaluated: 2025-03-05. Review status: criteria provided, single submitter. Criteria: Invitae Variant Classification Sherloc (09022015). Collection method: clinical testing. Allele origin: germline.
Comment: This sequence change replaces isoleucine, which is neutral and non-polar, with valine, which is neutral and non-polar, at codon 357 of the GABRA2 protein (p.Ile357Val). This variant is not present in population databases (gnomAD no frequency). This variant has not been reported in the literature in individuals affected with GABRA2-related conditions. ClinVar contains an entry for this variant (Variation ID: 2984626). An algorithm developed to predict the effect of missense changes on protein structure and function (PolyPhen-2) suggests that this variant is likely to be tolerated. In summary, the available evidence is currently insufficient to determine the role of this variant in disease. Therefore, it has been classified as a Variant of Uncertain Significance.

NM_000807.4(GABRA2):c.1059+5561A>G

Gene: GABRA2 (gamma-aminobutyric acid type A receptor subunit alpha2; minus strand). Cytogenetic location: 4p12.
Variant type: single nucleotide variant.
Coding change: c.1059+5561A>G on transcript NM_000807.4 (MANE Select); 5561 bases into the intron after coding-DNA position 1059, A replaced by G.
Molecular consequence: intron variant. On other transcripts: missense variant (4).
Genome position (GRCh38, 1-based): chr4:46,256,365, T>C on the plus strand (A>G on the coding strand, the complement: GABRA2 is on the minus strand). VCF-style: chr4-46256365-T-C. GRCh37 (hg19) VCF-style: chr4-46258382-T-C.
Other names: c.904A>G, p.Ile302Val (NM_001286827.3); c.1069A>G, p.Ile357Val (NM_001330690.2, NM_001377144.1, NM_001377145.1); c.894+5561A>G (NM_001377154.1, NM_001377152.1, NM_001377153.1); c.1059+5561A>G (NM_001377146.1, NM_001377150.1, NM_001377147.1 and 4 more transcripts); short protein forms I302V, I357V.
Identifiers: ClinVar variation 2984626 (VCV002984626.3), dbSNP rs2475247162, ClinGen allele CA356803935.
Genomic context (GRCh38, chr4:46,256,365, plus strand): 5'-TAGCTCCTTGAAGAATTGCTTTCACTGAGTTGTATGTTAATGTAATGCCTTCAGCTTTTA[T>C]TGAAGGGGACTACAAGAAACATCAATATGAAATCCATTATTGCGTTTATTGGGAAAAATT-3'